The following is an entry in ClinVar:

NC_000002.11:g.(?_30142849)_(30143535_?)dup

Gene: ALK (ALK receptor tyrosine kinase; minus strand). Cytogenetic location: 2p23.1.
Variant type: Duplication.
Identifiers: ClinVar variation 645357 (VCV000645357.2).

ClinVar aggregate classification (germline): Uncertain significance (1 of 4 stars; one submission).

Conditions:
Neuroblastoma, susceptibility to, 3. Also called: ALK-Related Neuroblastic Tumor Susceptibility. Identifiers: Orphanet 635, MedGen C2751681, MONDO:0013083, OMIM 613014.

Submission:

Labcorp Genetics (formerly Invitae), Labcorp
Classification: Uncertain significance for Neuroblastoma 3. Last evaluated: 2019-04-15. Review status: criteria provided, single submitter. Criteria: Invitae Variant Classification Sherloc (09022015). Collection method: clinical testing. Allele origin: germline.
Comment: This variant is a gross duplication of the genomic region encompassing exon 1 of the ALK gene. While the exact position of the duplicated exons cannot be determined from this data, the duplicated copy of this region is likely in tandem and may result in an absent or disrupted protein product. This variant has not been reported in the literature in individuals with a ALK-related disease. Experimental studies and prediction algorithms are not available for this variant, and its functional significance is currently unknown. In summary, the exact genomic location of this variant is unknown and the impact of this duplication on ALK protein function has not been established. Therefore, it has been classified as a Variant of Uncertain Significance.